The following is an entry in ClinVar:

NM_000059.4(BRCA2):c.2535_2538dup (p.Arg847fs)

Gene: BRCA2 (BRCA2 DNA repair associated; plus strand). Cytogenetic location: 13q13.1.
Variant type: Duplication.
Coding change: c.2535_2538dup on transcript NM_000059.4 (MANE Select); coding-DNA positions 2535 to 2538, 4 bases duplicated (TTCA; older notation c.2535_2538dupTTCA).
Protein change: p.Arg847fs; shifts the reading frame from arginine 847.
Molecular consequence: frameshift variant.
Genome position (GRCh38, 1-based): chr13:32,336,890-32,336,893, TTCA duplicated. VCF-style (leftmost placement, unchanged base first): chr13-32336889-C-CTTCA. GRCh37 (hg19) VCF-style: chr13-32911026-C-CTTCA.
Other names: short protein forms R847fs.
Identifiers: ClinVar variation 1071636 (VCV001071636.7), dbSNP rs2137487491, ClinGen allele CA2499222108.

ClinVar aggregate classification (germline): Pathogenic (1 of 4 stars; one submission).

Conditions:
Hereditary breast ovarian cancer syndrome. Also called: Hereditary breast and ovarian cancer syndrome (HBOC); Hereditary breast and/or ovarian cancer syndrome; Hereditary breast and ovarian cancer; BRCA1- and BRCA2-Associated Hereditary Breast and Ovarian Cancer; Hereditary breast and ovarian cancer syndrome; Breast and ovarian cancer. Identifiers: Orphanet 145, MedGen C0677776, MeSH D061325, MONDO:0003582. Disease mechanism: loss of function.

Submission:

Labcorp Genetics (formerly Invitae), Labcorp
Classification: Pathogenic for Hereditary breast ovarian cancer syndrome. Last evaluated: 2020-04-01. Review status: criteria provided, single submitter. Criteria: Invitae Variant Classification Sherloc (09022015). Collection method: clinical testing. Allele origin: germline.
Comment: This sequence change creates a premature translational stop signal (p.Arg847Phefs*35) in the BRCA2 gene. It is expected to result in an absent or disrupted protein product. This variant has not been reported in the literature in individuals with BRCA2-related conditions. For these reasons, this variant has been classified as Pathogenic. Loss-of-function variants in BRCA2 are known to be pathogenic (PMID: 20104584). This variant is not present in population databases (ExAC no frequency).

Literature cited by the submitters: PubMed 20104584.